The following is an entry in ClinVar:

NM_001018115.3(FANCD2):c.3323A>C (p.Glu1108Ala)

Genes: FANCD2 (FA complementation group D2; plus strand), FANCD2OS (FANCD2 opposite strand; minus strand). Cytogenetic location: 3p25.3.
Variant type: single nucleotide variant.
Coding change: c.3323A>C on transcript NM_001018115.3 (MANE Select); coding-DNA position 3323, A replaced by C.
Protein change: p.Glu1108Ala; replaces glutamic acid 1108 with alanine.
Molecular consequence: missense variant. On other transcripts: intron variant (1).
Genome position (GRCh38, 1-based): chr3:10,085,910, A>C. VCF-style: chr3-10085910-A-C. GRCh37 (hg19) VCF-style: chr3-10127594-A-C.
Other names: c.3323A>C, p.Glu1108Ala (NM_001319984.2, NM_001374254.1, NM_033084.6); c.3212A>C, p.Glu1071Ala (NM_001374253.1); c.*44-4379T>G (NM_173472.2); short protein forms E1071A, E1108A.
Identifiers: ClinVar variation 3702983 (VCV003702983.1).

ClinVar aggregate classification (germline): Uncertain significance (1 of 4 stars; one submission).

Conditions:
Fanconi anemia (FA). Also called: Fanconi's anemia. Identifiers: Orphanet 84, MedGen C0015625, MeSH D005199, MONDO:0019391.

gnomAD v4.1: 2 of 1,610,426 alleles (0.00012%); highest among the groups gnomAD compares: Middle Eastern, 0.017%; no homozygotes.

Submission:

Labcorp Genetics (formerly Invitae), Labcorp
Classification: Uncertain significance for Fanconi anemia. Last evaluated: 2024-02-04. Review status: criteria provided, single submitter. Criteria: Invitae Variant Classification Sherloc (09022015). Collection method: clinical testing. Allele origin: germline.
Comment: This sequence change replaces glutamic acid, which is acidic and polar, with alanine, which is neutral and non-polar, at codon 1108 of the FANCD2 protein (p.Glu1108Ala). This variant is not present in population databases (gnomAD no frequency). This variant has not been reported in the literature in individuals affected with FANCD2-related conditions. Advanced modeling of protein sequence and biophysical properties (such as structural, functional, and spatial information, amino acid conservation, physicochemical variation, residue mobility, and thermodynamic stability) performed at Invitae indicates that this missense variant is expected to disrupt FANCD2 protein function with a positive predictive value of 80%. In summary, the available evidence is currently insufficient to determine the role of this variant in disease. Therefore, it has been classified as a Variant of Uncertain Significance.